The following is an entry in ClinVar:

NM_016038.4(SBDS):c.745T>A (p.Phe249Ile)

Gene: SBDS (SBDS ribosome maturation factor; minus strand). Cytogenetic location: 7q11.21.
Variant type: single nucleotide variant.
Coding change: c.745T>A on transcript NM_016038.4 (MANE Select); coding-DNA position 745, T replaced by A.
Protein change: p.Phe249Ile; replaces phenylalanine 249 with isoleucine.
Molecular consequence: missense variant.
Genome position (GRCh38, 1-based): chr7:66,988,379, A>T on the plus strand (T>A on the coding strand, the complement: SBDS is on the minus strand). VCF-style: chr7-66988379-A-T. GRCh37 (hg19) VCF-style: chr7-66453366-A-T.
Other names: short protein forms F249I.
Identifiers: ClinVar variation 3437513 (VCV003437513.1).
Genomic context (GRCh38, chr7:66,988,379, plus strand): 5'-CGTCGGAAACGGAAACACTTTAGTGTTTTAGAGGTGAAGAGATTGATGGGTGTCATTCAA[A>T]TTTCTCATCTCCTTCTTCTACATCTTTCAGATTGAGTACTTCCAAAGAACCTTTGCCTTT-3'
Protein context (NP_057122.2, residues 239-250): LKDVEEGDEK[Phe249Ile]E

ClinVar aggregate classification (germline): Uncertain significance (1 of 4 stars; one submission).

Conditions:
Inborn genetic diseases. Identifiers: MedGen C0950123, MeSH D030342.

Submission:

Ambry Genetics
Classification: Uncertain significance for Inborn genetic diseases. Last evaluated: 2024-12-06. Review status: criteria provided, single submitter. Criteria: Ambry Variant Classification Scheme 2023. Collection method: clinical testing. Allele origin: germline.
Comment: The p.F249I variant (also known as c.745T>A), located in coding exon 5 of the SBDS gene, results from a T to A substitution at nucleotide position 745. The phenylalanine at codon 249 is replaced by isoleucine, an amino acid with highly similar properties. This amino acid position is conserved. In addition, the in silico prediction for this alteration is inconclusive. Based on the available evidence, the clinical significance of this variant remains unclear.